The following is an entry in ClinVar:

NM_004958.4(MTOR):c.5600A>G (p.Lys1867Arg)

Gene: MTOR (mechanistic target of rapamycin kinase; minus strand). Cytogenetic location: 1p36.22.
Variant type: single nucleotide variant.
Coding change: c.5600A>G on transcript NM_004958.4 (MANE Select); coding-DNA position 5600, A replaced by G.
Protein change: p.Lys1867Arg; replaces lysine 1867 with arginine.
Molecular consequence: missense variant.
Genome position (GRCh38, 1-based): chr1:11,130,542, T>C on the plus strand (A>G on the coding strand, the complement: MTOR is on the minus strand). VCF-style: chr1-11130542-T-C. GRCh37 (hg19) VCF-style: chr1-11190599-T-C.
Other names: c.5600A>G, p.Lys1867Arg (NM_001386500.1); c.4352A>G, p.Lys1451Arg (NM_001386501.1); short protein forms K1867R, K1451R.
Identifiers: ClinVar variation 2917923 (VCV002917923.3), dbSNP rs1454857182, ClinGen allele CA338398076.

ClinVar aggregate classification (germline): Uncertain significance (1 of 4 stars; one submission).

Allele frequency attached by ClinVar (database versions not stated): gnomAD 0.00001; gnomAD exomes 0.00001; TOPMed 0.00001.
gnomAD v4.1: 9 of 1,613,212 alleles (0.00056%); highest among the groups gnomAD compares: African/African-American, 0.0053%; no homozygotes.

Submission:

Labcorp Genetics (formerly Invitae), Labcorp
Classification: Uncertain significance. Last evaluated: 2025-11-03. Review status: criteria provided, single submitter. Criteria: Invitae Variant Classification Sherloc (09022015). Collection method: clinical testing. Allele origin: germline.
Comment: This sequence change replaces lysine, which is basic and polar, with arginine, which is basic and polar, at codon 1867 of the MTOR protein (p.Lys1867Arg). This variant is not present in population databases (gnomAD no frequency). This variant has not been reported in the literature in individuals affected with MTOR-related conditions. ClinVar contains an entry for this variant (Variation ID: 2917923). Invitae Evidence Modeling of protein sequence and biophysical properties (such as structural, functional, and spatial information, amino acid conservation, physicochemical variation, residue mobility, and thermodynamic stability) indicates that this missense variant is not expected to disrupt MTOR protein function with a negative predictive value of 95%. In summary, the available evidence is currently insufficient to determine the role of this variant in disease. Therefore, it has been classified as a Variant of Uncertain Significance.